The following is an entry in ClinVar:

NM_001563.4(IMPG1):c.2338del (p.Glu780fs)

Gene: IMPG1 (interphotoreceptor matrix proteoglycan 1; minus strand). Cytogenetic location: 6q14.1.
Variant type: Deletion.
Coding change: c.2338del on transcript NM_001563.4 (MANE Select); coding-DNA position 2338, one base deleted (G; older notation c.2338delG).
Protein change: p.Glu780fs; shifts the reading frame from glutamic acid 780.
Molecular consequence: frameshift variant.
Genome position (GRCh38, 1-based): chr6:75,922,145, C deleted on the plus strand (G on the coding strand, the reverse complement: IMPG1 is on the minus strand). VCF-style (leftmost placement, unchanged base first): chr6-75922144-TC-T. GRCh37 (hg19) VCF-style: chr6-76631861-TC-T.
Other names: c.2104del, p.Glu702fs (NM_001282368.2); short protein forms E702fs, E780fs.
Identifiers: ClinVar variation 1010628 (VCV001010628.6), dbSNP rs1255974828, ClinGen allele CA450939306.
Genomic context (GRCh38, chr6:75,922,144, plus strand): 5'-AGTTTTTAATTTCCTTCCCAATCTTGATGGTTAAATTCTTCATATTCTACGGTCAGTAAT[TC>T]AGAATTTCTTTTACTGATTACCTGAAAGAGAAATAGTTTTAAGAACTTAAGAAATGCCAC-3'

ClinVar aggregate classification (germline): Uncertain significance (1 of 4 stars; one submission).

Allele frequency attached by ClinVar (database versions not stated): gnomAD 0.00001; gnomAD exomes 0.00001 and 0.00002; TOPMed 0.00001; ESP Exome Variant Server 0.00016.

Submission:

Labcorp Genetics (formerly Invitae), Labcorp
Classification: Uncertain significance. Last evaluated: 2025-03-17. Review status: criteria provided, single submitter. Criteria: Invitae Variant Classification Sherloc (09022015). Collection method: clinical testing. Allele origin: germline.
Comment: This sequence change creates a premature translational stop signal (p.Glu780Asnfs*3) in the IMPG1 gene. While this is not anticipated to result in nonsense mediated decay, it is expected to disrupt the last 18 amino acid(s) of the IMPG1 protein. This variant is present in population databases (no rsID available, gnomAD 0.03%). This variant has not been reported in the literature in individuals affected with IMPG1-related conditions. ClinVar contains an entry for this variant (Variation ID: 1010628). Experimental studies and prediction algorithms are not available or were not evaluated, and the functional significance of this variant is currently unknown. Algorithms developed to predict the effect of sequence changes on RNA splicing suggest that this variant may disrupt the consensus splice site. In summary, the available evidence is currently insufficient to determine the role of this variant in disease. Therefore, it has been classified as a Variant of Uncertain Significance.